The following is an entry in ClinVar:

NM_001267550.2(TTN):c.96910C>T (p.Pro32304Ser)

Genes: TTN (titin; minus strand), TTN-AS1 (TTN antisense RNA 1; plus strand), LOC126806421 (CDK7 strongly-dependent group 2 enhancer GRCh37_chr2:179407630-179408829; plus strand). Cytogenetic location: 2q31.2.
Variant type: single nucleotide variant.
Coding change: c.96910C>T on transcript NM_001267550.2 (MANE Select); coding-DNA position 96910, C replaced by T.
Protein change: p.Pro32304Ser; replaces proline 32304 with serine.
Molecular consequence: missense variant.
Genome position (GRCh38, 1-based): chr2:178,542,944, G>A on the plus strand (C>T on the coding strand, the complement: TTN is on the minus strand). VCF-style: chr2-178542944-G-A. GRCh37 (hg19) VCF-style: chr2-179407671-G-A.
Other names: c.91987C>T, p.Pro30663Ser (NM_001256850.1); c.69715C>T, p.Pro23239Ser (NM_003319.4); c.89206C>T, p.Pro29736Ser (NM_133378.4); c.70090C>T, p.Pro23364Ser (NM_133432.3); c.70291C>T, p.Pro23431Ser (NM_133437.4); short protein forms P23431S, P30663S, P32304S, P23239S, P23364S, P29736S.
Identifiers: ClinVar variation 4982241 (VCV004982241.1).
Genomic context (GRCh38, chr2:178,542,944, plus strand): 5'-CTGGTCTGCCAGCTGGGACATGGATGGTCTTCTGAGGCATTGTAGAAAGATCGATTGTTG[G>A]CAACACTATGGGAAAGAAATCAGGCATTTATTCTTAAGCATTATTTTTATGGTAAATTGT-3'
Protein context (NP_001254479.2, residues 32294-32314): AVTVQDLRVL[Pro32304Ser]TIDLSTMPQK

ClinVar aggregate classification (germline): Uncertain significance (1 of 4 stars; one submission).

Conditions:
TTN-related disorder. Also called: TTN-related disorders; TTN-related condition; TTN-related disease.

gnomAD v4.1: 8 of 1,595,162 alleles (0.0005%); highest among the groups gnomAD compares: Non-Finnish European, 0.00068%; no homozygotes.

Submission:

PreventionGenetics, part of Exact Sciences
Classification: Uncertain significance for TTN-related condition. Last evaluated: 2026-06-10. Review status: criteria provided, single submitter. Criteria: ACMG Guidelines, 2015. Collection method: clinical testing. Allele origin: germline.
Comment: The TTN c.96910C>T variant is predicted to result in the amino acid substitution p.Pro32304Ser. To our knowledge, this variant has not been reported in the literature or in a large population database (gnomAD), indicating this variant is rare. At this time, the clinical significance of this variant is uncertain due to the absence of conclusive functional and genetic evidence.